The following is an entry in ClinVar:

NM_000368.5(TSC1):c.2507C>T (p.Ser836Leu)

Gene: TSC1 (TSC complex subunit 1; minus strand). Cytogenetic location: 9q34.13.
Variant type: single nucleotide variant.
Coding change: c.2507C>T on transcript NM_000368.5 (MANE Select); coding-DNA position 2507, C replaced by T.
Protein change: p.Ser836Leu; replaces serine 836 with leucine.
Molecular consequence: missense variant. On other transcripts: non-coding transcript variant (5).
Genome position (GRCh38, 1-based): chr9:132,900,833, G>A on the plus strand (C>T on the coding strand, the complement: TSC1 is on the minus strand). VCF-style: chr9-132900833-G-A. GRCh37 (hg19) VCF-style: chr9-135776220-G-A.
Other names: c.2309C>T, p.Ser770Leu (NM_001406613.1); c.2144C>T, p.Ser715Leu (NM_001406614.1, NM_001406615.1, NM_001406616.1 and 4 more transcripts); c.2141C>T, p.Ser714Leu (NM_001406620.1, NM_001406621.1, NM_001406622.1 and 1 more transcripts); c.2504C>T, p.Ser835Leu (NM_001162426.2, NM_001406597.1, NM_001406598.1 and 2 more transcripts); c.2354C>T, p.Ser785Leu (NM_001162427.2, NM_001406610.1); c.2507C>T, p.Ser836Leu (NM_001406592.1, NM_001406593.1, NM_001406594.1 and 2 more transcripts); c.2492C>T, p.Ser831Leu (NM_001406601.1, NM_001406602.1); c.2102C>T, p.Ser701Leu (NM_001406624.1); and 8 more; short protein forms S485L, S784L, S830L, S519L, S700L, S821L, S518L, S701L.
Identifiers: ClinVar variation 3720862 (VCV003720862.2).

ClinVar aggregate classification (germline): Uncertain significance (1 of 4 stars; one submission).

Conditions:
Tuberous sclerosis 1 (TSC1). Identifiers: Orphanet 805, MedGen C1854465, MONDO:0008612, OMIM 191100.

Submission:

Labcorp Genetics (formerly Invitae), Labcorp
Classification: Uncertain significance for Tuberous sclerosis 1. Last evaluated: 2024-11-09. Review status: criteria provided, single submitter. Criteria: Invitae Variant Classification Sherloc (09022015). Collection method: clinical testing. Allele origin: germline.
Comment: This sequence change replaces serine, which is neutral and polar, with leucine, which is neutral and non-polar, at codon 836 of the TSC1 protein (p.Ser836Leu). This variant is not present in population databases (gnomAD no frequency). This variant has not been reported in the literature in individuals affected with TSC1-related conditions. Invitae Evidence Modeling of protein sequence and biophysical properties (such as structural, functional, and spatial information, amino acid conservation, physicochemical variation, residue mobility, and thermodynamic stability) indicates that this missense variant is not expected to disrupt TSC1 protein function with a negative predictive value of 95%. In summary, the available evidence is currently insufficient to determine the role of this variant in disease. Therefore, it has been classified as a Variant of Uncertain Significance.